The following is an entry in ClinVar:

ClinVar aggregate classification (germline): Likely benign (0 of 4 stars; one submission).

Conditions:
PLXNA1-related disorder. Also called: PLXNA1-related condition.

gnomAD v4.1: 22 of 1,613,530 alleles (0.0014%); highest among the groups gnomAD compares: African/African-American, 0.0067%; no homozygotes.

Submission:

PreventionGenetics, part of Exact Sciences
Classification: Likely benign for PLXNA1-related condition. Last evaluated: 2024-05-10. Review status: no assertion criteria provided. Collection method: clinical testing. Allele origin: germline.
Comment: This variant is classified as likely benign based on ACMG/AMP sequence variant interpretation guidelines (Richards et al. 2015 PMID: 25741868, with internal and published modifications).

NM_032242.4(PLXNA1):c.720G>A (p.Pro240=)

Gene: PLXNA1 (plexin A1; plus strand). Cytogenetic location: 3q21.3.
Variant type: single nucleotide variant.
Coding change: c.720G>A on transcript NM_032242.4 (MANE Select); coding-DNA position 720, G replaced by A.
Protein change: p.Pro240=; no amino-acid change (proline 240 retained).
Molecular consequence: synonymous variant.
Genome position (GRCh38, 1-based): chr3:126,989,313, G>A. VCF-style: chr3-126989313-G-A. GRCh37 (hg19) VCF-style: chr3-126708156-G-A.
Identifiers: ClinVar variation 3350687 (VCV003350687.1).